The following is an entry in ClinVar:

ClinVar aggregate classification (germline): Pathogenic (1 of 4 stars; one submission).

Conditions:
Familial thoracic aortic aneurysm and aortic dissection (TAAD). Also called: Thoracic aortic aneurysms and dissections. Identifiers: Orphanet 91387, MedGen C4707243, MONDO:0019625.
Marfan syndrome (MFS). Also called: Marfan syndrome type 1; Marfan's syndrome; Marfan syndrome, classic; MARFAN SYNDROME, TYPE I; FBN1-Related Marfan Syndrome. Identifiers: Orphanet 284963, Orphanet 558, MedGen C0024796, MONDO:0007947, OMIM 154700.

Submission:

Labcorp Genetics (formerly Invitae), Labcorp
Classification: Pathogenic for Marfan syndrome; Familial thoracic aortic aneurysm and aortic dissection. Last evaluated: 2020-10-20. Review status: criteria provided, single submitter. Criteria: Invitae Variant Classification Sherloc (09022015). Collection method: clinical testing. Allele origin: germline.
Comment: For these reasons, this variant has been classified as Pathogenic. This variant affects a cysteine residue in the EGF-like, TGFBP or hybrid motif domains of FBN1. Cysteine residues are believed to be involved in intramolecular disulfide bridges and have been shown to be important for FBN1 protein structure (PMID: 16905551, 19349279). In addition, missense substitutions affecting cysteine residues within these domains are significantly overrepresented among patients with Marfan syndrome (PMID: 16571647, 17701892). Advanced modeling of protein sequence and biophysical properties (such as structural, functional, and spatial information, amino acid conservation, physicochemical variation, residue mobility, and thermodynamic stability) performed at Invitae indicates that this missense variant is expected to disrupt FBN1 protein function. This variant has not been reported in the literature in individuals with FBN1-related conditions. This variant is not present in population databases (ExAC no frequency). This sequence change replaces cysteine with serine at codon 534 of the FBN1 protein (p.Cys534Ser). The cysteine residue is highly conserved and there is a moderate physicochemical difference between cysteine and serine.

Literature cited by the submitters: PubMed 16905551; PubMed 19349279; PubMed 16571647; PubMed 17701892.

NM_000138.5(FBN1):c.1601G>C (p.Cys534Ser)

Gene: FBN1 (fibrillin 1; minus strand). Cytogenetic location: 15q21.1.
Variant type: single nucleotide variant.
Coding change: c.1601G>C on transcript NM_000138.5 (MANE Select); coding-DNA position 1601, G replaced by C.
Protein change: p.Cys534Ser; replaces cysteine 534 with serine.
Molecular consequence: missense variant.
Genome position (GRCh38, 1-based): chr15:48,510,157, C>G on the plus strand (G>C on the coding strand, the complement: FBN1 is on the minus strand). VCF-style: chr15-48510157-C-G. GRCh37 (hg19) VCF-style: chr15-48802354-C-G.
Other names: short protein forms C534S.
Identifiers: ClinVar variation 1076449 (VCV001076449.9), dbSNP rs397515759, ClinGen allele CA392341355.
Genomic context (GRCh38, chr15:48,510,157, plus strand): 5'-TGAAAACTGCCATCTGTGTTGATGCAGCGTCCATTATTGCAGATCCGGCCATTCTGTAAA[C>G]ACTCATCAATGTCTAAAATCAAAGTTTAAAAAGAAGAAATAGCTTTATTTAGGGGAGTTA-3'
Protein context (NP_000129.3, residues 524-544): TRTECRDIDE[Cys534Ser]LQNGRICNNG